The following is an entry in ClinVar:

ClinVar aggregate classification (germline): Uncertain significance (1 of 4 stars; one submission).

Conditions:
Imerslund-Grasbeck syndrome. Also called: Megaloblastic anemia due to inborn errors of metabolism; PERNICIOUS ANEMIA, JUVENILE, DUE TO SELECTIVE INTESTINAL MALABSORPTION OF VITAMIN B12, WITH PROTEINURIA; ENTEROCYTE COBALAMIN MALABSORPTION; ENTEROCYTE INTRINSIC FACTOR RECEPTOR, DEFECT OF; Imerslund-Gräsbeck syndrome. Identifiers: Orphanet 35858, MedGen C4551825, MONDO:0009853.

Allele frequency attached by ClinVar (database versions not stated): TOPMed below 0.00001.
gnomAD v4.1: 11 of 1,613,972 alleles (0.00068%); highest among the groups gnomAD compares: Admixed American, 0.0067%; no homozygotes.

Submission:

Labcorp Genetics (formerly Invitae), Labcorp
Classification: Uncertain significance for Imerslund-Grasbeck syndrome. Last evaluated: 2025-02-03. Review status: criteria provided, single submitter. Criteria: Invitae Variant Classification Sherloc (09022015). Collection method: clinical testing. Allele origin: germline.
Comment: This sequence change replaces asparagine, which is neutral and polar, with serine, which is neutral and polar, at codon 3576 of the CUBN protein (p.Asn3576Ser). This variant is present in population databases (rs757884282, gnomAD 0.003%). This variant has not been reported in the literature in individuals affected with CUBN-related conditions. ClinVar contains an entry for this variant (Variation ID: 1976564). Invitae Evidence Modeling of protein sequence and biophysical properties (such as structural, functional, and spatial information, amino acid conservation, physicochemical variation, residue mobility, and thermodynamic stability) indicates that this missense variant is not expected to disrupt CUBN protein function with a negative predictive value of 80%. In summary, the available evidence is currently insufficient to determine the role of this variant in disease. Therefore, it has been classified as a Variant of Uncertain Significance.

NM_001081.4(CUBN):c.10727A>G (p.Asn3576Ser)

Gene: CUBN (cubilin; minus strand). Cytogenetic location: 10p13.
Variant type: single nucleotide variant.
Coding change: c.10727A>G on transcript NM_001081.4 (MANE Select); coding-DNA position 10727, A replaced by G.
Protein change: p.Asn3576Ser; replaces asparagine 3576 with serine.
Molecular consequence: missense variant.
Genome position (GRCh38, 1-based): chr10:16,828,842, T>C on the plus strand (A>G on the coding strand, the complement: CUBN is on the minus strand). VCF-style: chr10-16828842-T-C. GRCh37 (hg19) VCF-style: chr10-16870841-T-C.
Other names: short protein forms N3576S.
Identifiers: ClinVar variation 1976564 (VCV001976564.5), dbSNP rs757884282, ClinGen allele CA5422313.
Genomic context (GRCh38, chr10:16,828,842, plus strand): 5'-TATAAAATGTTTGTTTTACTCACGCCTCCGCAGTATGGTCCAGAGGATGGAGAGCTGGCG[T>C]TGGGCCCATCATAGAGTGTGAGATAGTTCTGGACACAGTCTCCTGGATCGTCAATGCTGA-3'
Protein context (NP_001072.2, residues 3566-3586): QNYLTLYDGP[Asn3576Ser]ASSPSSGPYC